The following is an entry in ClinVar:

ClinVar aggregate classification (germline): Uncertain significance (1 of 4 stars; one submission).

Conditions:
Spastic paraplegia. Identifiers: MedGen C0037772, HP:0001258.

Allele frequency attached by ClinVar (database versions not stated): gnomAD exomes below 0.00001.

Submission:

Labcorp Genetics (formerly Invitae), Labcorp
Classification: Uncertain significance for Spastic paraplegia. Last evaluated: 2021-08-13. Review status: criteria provided, single submitter. Criteria: Invitae Variant Classification Sherloc (09022015). Collection method: clinical testing. Allele origin: germline.
Comment: This sequence change replaces glycine with serine at codon 950 of the L1CAM protein (p.Gly950Ser). The glycine residue is highly conserved and there is a small physicochemical difference between glycine and serine. This variant is not present in population databases (ExAC no frequency). This missense change has been observed in individual(s) with clinical features of L1CAM-related conditions (Invitae). Algorithms developed to predict the effect of missense changes on protein structure and function (SIFT, PolyPhen-2, Align-GVGD) all suggest that this variant is likely to be disruptive. Algorithms developed to predict the effect of sequence changes on RNA splicing suggest that this variant may create or strengthen a splice site. In summary, the available evidence is currently insufficient to determine the role of this variant in disease. Therefore, it has been classified as a Variant of Uncertain Significance.

NM_001278116.2(L1CAM):c.2848G>A (p.Gly950Ser)

Gene: L1CAM (L1 cell adhesion molecule; minus strand). Cytogenetic location: Xq28.
Variant type: single nucleotide variant.
Coding change: c.2848G>A on transcript NM_001278116.2 (MANE Select); coding-DNA position 2848, G replaced by A.
Protein change: p.Gly950Ser; replaces glycine 950 with serine.
Molecular consequence: missense variant.
Genome position (GRCh38, 1-based): chrX:153,865,112, C>T on the plus strand (G>A on the coding strand, the complement: L1CAM is on the minus strand). VCF-style: chrX-153865112-C-T. GRCh37 (hg19) VCF-style: chrX-153130567-C-T.
Other names: c.2848G>A, p.Gly950Ser (NM_000425.5, NM_024003.3); c.2833G>A, p.Gly945Ser (NM_001143963.2); short protein forms G950S, G945S.
Identifiers: ClinVar variation 579972 (VCV000579972.6), dbSNP rs1569544662, ClinGen allele CA415114716.
Genomic context (GRCh38, chrX:153,865,112, plus strand): 5'-CTCCACCTCCCTTCCCTGCTGGGGCGGCGCACGCACGGGGGTGGTAGGAGAGCACGTAGC[C>T]GGTGAGCACGCCGTTGTGGCTGAGTGGGGGCTGCCAGCGCAGCAGCAGGCTGGTGTTCGA-3'
Protein context (NP_001265045.1, residues 940-960): PPLSHNGVLT[Gly950Ser]YVLSYHPLDE